The following is an entry in ClinVar:

NM_001040151.2(SCN3B):c.368C>T (p.Ser123Phe)

Gene: SCN3B (sodium voltage-gated channel beta subunit 3; minus strand). Cytogenetic location: 11q24.1.
Variant type: single nucleotide variant.
Coding change: c.368C>T on transcript NM_001040151.2 (MANE Select); coding-DNA position 368, C replaced by T.
Protein change: p.Ser123Phe; replaces serine 123 with phenylalanine.
Molecular consequence: missense variant.
Genome position (GRCh38, 1-based): chr11:123,642,523, G>A on the plus strand (C>T on the coding strand, the complement: SCN3B is on the minus strand). VCF-style: chr11-123642523-G-A. GRCh37 (hg19) VCF-style: chr11-123513231-G-A.
Other names: c.368C>T, p.Ser123Phe (NM_018400.4); short protein forms S123F.
Identifiers: ClinVar variation 3316571 (VCV003316571.1).
Genomic context (GRCh38, chr11:123,642,523, plus strand): 5'-AGGGGGATCAGCCGCGTCGTCTTCACAAAGGGCCGATGCGCCTCAAACTCAAACTCCCGG[G>A]ACACATTGCAGGTGTAGAGGCCAGAGTCGTTCAGAGTGACGTTGAGCACAGTGATGGACA-3'
Protein context (NP_001035241.1, residues 113-133): NDSGLYTCNV[Ser123Phe]REFEFEAHRP

ClinVar aggregate classification (germline): Uncertain significance (1 of 4 stars; one submission).

Conditions:
Cardiovascular phenotype. Identifiers: MedGen CN230736.

gnomAD v4.1: 1 of 1,614,198 alleles (0.000062%); highest among the groups gnomAD compares: Non-Finnish European, 0.000085%; no homozygotes.

Submission:

Ambry Genetics
Classification: Uncertain significance for Cardiovascular phenotype. Last evaluated: 2024-03-16. Review status: criteria provided, single submitter. Criteria: Ambry Variant Classification Scheme 2023. Collection method: clinical testing. Allele origin: germline.
Comment: The p.S123F variant (also known as c.368C>T), located in coding exon 3 of the SCN3B gene, results from a C to T substitution at nucleotide position 368. The serine at codon 123 is replaced by phenylalanine, an amino acid with highly dissimilar properties. This amino acid position is conserved. In addition, the in silico prediction for this alteration is inconclusive. Based on the available evidence, the clinical significance of this alteration remains unclear.